The following is an entry in ClinVar:

ClinVar aggregate classification (germline): Benign. Review status: criteria provided, multiple submitters, no conflicts (2 of 4 stars). 8 submissions from 8 submitters: Benign (6). 2 of the submissions do not count toward it. Last evaluated 2026-02-03.

Conditions:
Cardiovascular phenotype. Identifiers: MedGen CN230736.
Brugada syndrome. Also called: Sudden unexplained nocturnal death syndrome; Sudden Unexplained Death Syndrome; Sudden Unexplained Nocturnal Death Syndrome (SUNDS); Sudden unexpected nocturnal death syndrome. Identifiers: Orphanet 130, MedGen C1142166, MONDO:0015263.

Allele frequency attached by ClinVar (database versions not stated): gnomAD exomes 0.00438; ExAC 0.00514; gnomAD 0.01691 and 0.01829; ESP Exome Variant Server 0.01784; TOPMed 0.01933; 1000 Genomes Project 0.01957; 1000 Genomes Project 30x 0.02077.
gnomAD v4.1: 5,078 of 1,614,116 alleles (0.31%); highest among the groups gnomAD compares: African/African-American, 6%; 133 homozygotes.

Submissions (8):

Labcorp Genetics (formerly Invitae), Labcorp
Classification: Benign for Brugada syndrome. Last evaluated: 2026-02-03. Review status: criteria provided, single submitter. Criteria: Invitae Variant Classification Sherloc (09022015). Collection method: clinical testing. Allele origin: germline.

Women's Health and Genetics/Laboratory Corporation of America, LabCorp
Classification: Benign. Last evaluated: 2024-06-24. Review status: criteria provided, single submitter. Criteria: LabCorp Variant Classification Summary - May 2015. Collection method: clinical testing. Allele origin: germline.

Mayo Clinic Laboratories, Mayo Clinic
Classification: Benign. Last evaluated: 2016-07-20. Review status: criteria provided, single submitter. Criteria: ACMG Guidelines, 2015. Collection method: clinical testing. Allele origin: germline. Observed: 11 variant alleles.

Ambry Genetics
Classification: Benign for Cardiovascular phenotype. Last evaluated: 2015-07-27. Review status: criteria provided, single submitter. Criteria: Ambry Variant Classification Scheme 2023. Collection method: clinical testing. Allele origin: germline.

GeneDx
Classification: Benign. Last evaluated: 2014-01-16. Review status: criteria provided, single submitter. Criteria: GeneDx Variant Classification (06012015). Collection method: clinical testing. Allele origin: germline. Affected: yes.
Comment: This variant is considered likely benign or benign based on one or more of the following criteria: it is a conservative change, it occurs at a poorly conserved position in the protein, it is predicted to be benign by multiple in silico algorithms, and/or has population frequency not consistent with disease.

Breakthrough Genomics
Classification: Benign. Review status: criteria provided, single submitter. Criteria: ACMG Guidelines, 2015. Collection method: not provided. Allele origin: germline. Inheritance: Unknown mechanism. Affected: yes.

Clinical Genetics, Academic Medical Center
Classification: Benign. Review status: no assertion criteria provided. Collection method: clinical testing. Allele origin: germline. Affected: yes. Study: VKGL Data-share Consensus. Not counted in ClinVar's aggregate classification.

Joint Genome Diagnostic Labs from Nijmegen and Maastricht, Radboudumc and MUMC+
Classification: Benign. Review status: no assertion criteria provided. Collection method: clinical testing. Allele origin: germline. Affected: yes. Study: VKGL Data-share Consensus. Not counted in ClinVar's aggregate classification.

NM_004982.4(KCNJ8):c.291C>G (p.Ala97=)

Genes: KCNJ8-AS1 (KCNJ8 antisense RNA 1; plus strand), KCNJ8 (potassium inwardly rectifying channel subfamily J member 8; minus strand). Cytogenetic location: 12p12.1.
Variant type: single nucleotide variant.
Coding change: c.291C>G on transcript NM_004982.4 (MANE Select); coding-DNA position 291, C replaced by G.
Protein change: p.Ala97=; no amino-acid change (alanine 97 retained).
Molecular consequence: synonymous variant.
Genome position (GRCh38, 1-based): chr12:21,773,326, G>C on the plus strand (C>G on the coding strand, the complement: KCNJ8 is on the minus strand). VCF-style: chr12-21773326-G-C. GRCh37 (hg19) VCF-style: chr12-21926260-G-C.
Other names: p.A97A:GCC>GCG; p.Ala97=.
Identifiers: ClinVar variation 137997 (VCV000137997.23), dbSNP rs34524779, ClinGen allele CA291764.